The following is an entry in ClinVar:

ClinVar aggregate classification (germline): Uncertain significance. Review status: criteria provided, single submitter (1 of 4 stars). 2 submissions from 2 submitters: Uncertain significance (1). 1 of the submissions does not count toward it. Last evaluated 2022-04-12.

Conditions:
Hypophosphatemic nephrolithiasis/osteoporosis 1. Identifiers: Orphanet 244305, MedGen C2676786, MONDO:0012850, OMIM 612286.

gnomAD v4.1: 5 of 1,614,092 alleles (0.00031%); highest among the groups gnomAD compares: Non-Finnish European, 0.00042%; no homozygotes.

Submissions (2):

Labcorp Genetics (formerly Invitae), Labcorp
Classification: Uncertain significance. Last evaluated: 2022-04-12. Review status: criteria provided, single submitter. Criteria: Invitae Variant Classification Sherloc (09022015). Collection method: clinical testing. Allele origin: germline.
Comment: In summary, the available evidence is currently insufficient to determine the role of this variant in disease. Therefore, it has been classified as a Variant of Uncertain Significance. Experimental studies have shown that this missense change affects SLC34A1 function (PMID: 12324554, 14672348). Algorithms developed to predict the effect of missense changes on protein structure and function are either unavailable or do not agree on the potential impact of this missense change (SIFT: "Deleterious"; PolyPhen-2: "Possibly Damaging"; Align-GVGD: "Class C0"). ClinVar contains an entry for this variant (Variation ID: 12932). This missense change has been observed in individual(s) with demineralization and hypophosphatemia (PMID: 12324554). This variant is present in population databases (rs121918611, gnomAD 0.002%). This sequence change replaces valine, which is neutral and non-polar, with methionine, which is neutral and non-polar, at codon 147 of the SLC34A1 protein (p.Val147Met).

OMIM
Classification: Pathogenic for NEPHROLITHIASIS/OSTEOPOROSIS, HYPOPHOSPHATEMIC, 1. Last evaluated: 2002-09-26. Review status: no assertion criteria provided. Collection method: literature only. Allele origin: germline. Not counted in ClinVar's aggregate classification.

Literature cited by the submitters: PubMed 12324554 (cited by Labcorp Genetics (formerly Invitae), Labcorp and OMIM); PubMed 14672348 (cited by Labcorp Genetics (formerly Invitae), Labcorp).

NM_003052.5(SLC34A1):c.439G>A (p.Val147Met)

Gene: SLC34A1 (solute carrier family 34 member 1; plus strand). Cytogenetic location: 5q35.3.
Variant type: single nucleotide variant.
Coding change: c.439G>A on transcript NM_003052.5 (MANE Select); coding-DNA position 439, G replaced by A.
Protein change: p.Val147Met; replaces valine 147 with methionine.
Molecular consequence: missense variant.
Genome position (GRCh38, 1-based): chr5:177,386,473, G>A. VCF-style: chr5-177386473-G-A. GRCh37 (hg19) VCF-style: chr5-176813474-G-A.
Other names: c.439G>A, p.Val147Met (NM_001167579.2); short protein forms V147M.
Identifiers: ClinVar variation 12932 (VCV000012932.6), dbSNP rs121918611, ClinGen allele CA025523.